The following is an entry in ClinVar:

ClinVar aggregate classification (germline): Benign/Likely benign. Review status: criteria provided, multiple submitters, no conflicts (2 of 4 stars). 6 submissions from 6 submitters: Benign (1); Likely benign (5). Last evaluated 2025-07-14.

Conditions:
Hereditary cancer-predisposing syndrome. Also called: Tumor predisposition; Neoplastic Syndromes, Hereditary; Hereditary neoplastic syndrome; Hereditary Cancer Syndrome. Identifiers: Orphanet 140162, MedGen C0027672, MeSH D009386, MONDO:0015356.
Familial cancer of breast. Also called: Hereditary breast cancer; BREAST CANCER, FAMILIAL; hereditary breast carcinoma. Identifiers: Orphanet 227535, MedGen C0346153, MONDO:0016419, OMIM 114480. Disease mechanism: loss of function.

Submissions (6):

Labcorp Genetics (formerly Invitae), Labcorp
Classification: Likely benign for Familial cancer of breast. Last evaluated: 2025-07-14. Review status: criteria provided, single submitter. Criteria: Invitae Variant Classification Sherloc (09022015). Collection method: clinical testing. Allele origin: germline.

Myriad Genetics, Inc.
Classification: Benign for Familial cancer of breast. Last evaluated: 2025-01-15. Review status: criteria provided, single submitter. Criteria: Myriad Autosomal Dominant, Autosomal Recessive and X-Linked Classification Criteria (2023). Collection method: clinical testing. Allele origin: unknown.
Comment: This variant is considered benign. This variant is a silent/synonymous amino acid change and it is not expected to impact splicing.

Color Diagnostics, LLC DBA Color Health
Classification: Likely benign for Hereditary cancer-predisposing syndrome. Last evaluated: 2024-06-13. Review status: criteria provided, single submitter. Criteria: ACMG Guidelines, 2015. Collection method: clinical testing. Allele origin: germline.

Sema4
Classification: Likely benign for Hereditary cancer-predisposing syndrome. Last evaluated: 2021-06-14. Review status: criteria provided, single submitter. Criteria: Sema4 Curation Guidelines. Collection method: curation. Allele origin: germline.

GeneDx
Classification: Likely benign. Last evaluated: 2018-06-20. Review status: criteria provided, single submitter. Criteria: GeneDx Variant Classification (06012015). Collection method: clinical testing. Allele origin: germline. Affected: yes.
Comment: This variant is considered likely benign or benign based on one or more of the following criteria: it is a conservative change, it occurs at a poorly conserved position in the protein, it is predicted to be benign by multiple in silico algorithms, and/or has population frequency not consistent with disease.

Ambry Genetics
Classification: Likely benign for Hereditary cancer-predisposing syndrome. Last evaluated: 2016-02-03. Review status: criteria provided, single submitter. Criteria: Ambry Variant Classification Scheme 2023. Collection method: clinical testing. Allele origin: germline.

NM_024675.4(PALB2):c.1929T>C (p.Phe643=)

Gene: PALB2 (partner and localizer of BRCA2; minus strand). Cytogenetic location: 16p12.2.
Variant type: single nucleotide variant.
Coding change: c.1929T>C on transcript NM_024675.4 (MANE Select); coding-DNA position 1929, T replaced by C.
Protein change: p.Phe643=; no amino-acid change (phenylalanine 643 retained).
Molecular consequence: synonymous variant.
Genome position (GRCh38, 1-based): chr16:23,630,225, A>G on the plus strand (T>C on the coding strand, the complement: PALB2 is on the minus strand). VCF-style: chr16-23630225-A-G. GRCh37 (hg19) VCF-style: chr16-23641546-A-G.
Identifiers: ClinVar variation 415985 (VCV000415985.20), dbSNP rs995715653, ClinGen allele CA16614835.